The following is an entry in ClinVar:

ClinVar aggregate classification (germline): Uncertain significance. Review status: criteria provided, multiple submitters, no conflicts (2 of 4 stars). 4 submissions from 4 submitters: Uncertain significance (4). Last evaluated 2026-08-01.

Conditions:
MAK-related disorder. Also called: MAK-related condition.

Allele frequency attached by ClinVar (database versions not stated): ESP Exome Variant Server 0.00016; gnomAD exomes 0.00022 and 0.00046; gnomAD 0.00023 and 0.00024; TOPMed 0.00023; ExAC 0.00027.
gnomAD v4.1: 611 of 1,440,886 alleles (0.042%); highest among the groups gnomAD compares: Non-Finnish European, 0.057%; 2 homozygotes.

Submissions (4):

PreventionGenetics, part of Exact Sciences
Classification: Uncertain significance for MAK-related condition. Last evaluated: 2026-08-01. Review status: criteria provided, single submitter. Criteria: ACMG Guidelines, 2015. Collection method: clinical testing. Allele origin: germline.
Comment: The MAK c.174T>G variant is predicted to result in the amino acid substitution p.Asn58Lys. This variant was previously reported in an individual with retinitis pigmentosa (Table S3, Maggi et al. 2024. PubMed ID: 38928247). This variant is reported in 0.049% of alleles in individuals of European (Non-Finnish) descent in gnomAD. At this time, the clinical significance of this variant is uncertain due to the absence of conclusive functional and genetic evidence.

Blueprint Genetics
Classification: Uncertain significance. Last evaluated: 2024-11-06. Review status: criteria provided, single submitter. Criteria: ACMG Guidelines, 2015. Collection method: clinical testing. Allele origin: germline.

Labcorp Genetics (formerly Invitae), Labcorp
Classification: Uncertain significance. Last evaluated: 2022-10-05. Review status: criteria provided, single submitter. Criteria: Invitae Variant Classification Sherloc (09022015). Collection method: clinical testing. Allele origin: germline.
Comment: This sequence change replaces asparagine, which is neutral and polar, with lysine, which is basic and polar, at codon 58 of the MAK protein (p.Asn58Lys). This variant is present in population databases (rs371263215, gnomAD 0.05%). This variant has not been reported in the literature in individuals affected with MAK-related conditions. ClinVar contains an entry for this variant (Variation ID: 197192). Advanced modeling of protein sequence and biophysical properties (such as structural, functional, and spatial information, amino acid conservation, physicochemical variation, residue mobility, and thermodynamic stability) performed at Invitae indicates that this missense variant is not expected to disrupt MAK protein function. In summary, the available evidence is currently insufficient to determine the role of this variant in disease. Therefore, it has been classified as a Variant of Uncertain Significance.

Eurofins Ntd Llc (ga)
Classification: Uncertain significance. Last evaluated: 2016-05-24. Review status: criteria provided, single submitter. Criteria: EGL Classification Definitions 2015. Collection method: clinical testing. Allele origin: germline. Observed: 3 variant alleles, 3 heterozygotes.

NM_001242957.3(MAK):c.174T>G (p.Asn58Lys)

Gene: MAK (male germ cell associated kinase; minus strand). Cytogenetic location: 6p24.2.
Variant type: single nucleotide variant.
Coding change: c.174T>G on transcript NM_001242957.3 (MANE Select); coding-DNA position 174, T replaced by G.
Protein change: p.Asn58Lys; replaces asparagine 58 with lysine.
Molecular consequence: missense variant. On other transcripts: non-coding transcript variant (2).
Genome position (GRCh38, 1-based): chr6:10,817,954, A>C on the plus strand (T>G on the coding strand, the complement: MAK is on the minus strand). VCF-style: chr6-10817954-A-C. GRCh37 (hg19) VCF-style: chr6-10818187-A-C.
Other names: c.174T>G, p.Asn58Lys (NM_001242385.2, NM_005906.6); c.72T>G, p.Asn24Lys (NM_001377262.1); short protein forms N58K, N24K.
Identifiers: ClinVar variation 197192 (VCV000197192.16), dbSNP rs371263215, ClinGen allele CA245185.
Genomic context (GRCh38, chr6:10,817,954, plus strand): 5'-TATAAAATAAAGATGGTCATTTTCTCTGATAACTTCTTTCAATTTAATAACATTGGCATG[A>C]TTAAGTTTCTTCAGAGACTGAAAAATAACAAATATGCCTTAAAATTTCTTAAAAAAAACT-3'
Protein context (NP_001229886.1, residues 48-68): LREVKSLKKL[Asn58Lys]HANVIKLKEV